The following is an entry in ClinVar:

NM_000532.5(PCCB):c.9G>C (p.Ala3=)

Gene: PCCB (propionyl-CoA carboxylase subunit beta; plus strand). Cytogenetic location: 3q22.3.
Variant type: single nucleotide variant.
Coding change: c.9G>C on transcript NM_000532.5 (MANE Select); coding-DNA position 9, G replaced by C.
Protein change: p.Ala3=; no amino-acid change (alanine 3 retained).
Molecular consequence: synonymous variant.
Genome position (GRCh38, 1-based): chr3:136,250,384, G>C. VCF-style: chr3-136250384-G-C. GRCh37 (hg19) VCF-style: chr3-135969226-G-C.
Other names: c.9G>C, p.Ala3= (NM_001178014.2).
Identifiers: ClinVar variation 513608 (VCV000513608.3), dbSNP rs763025114, ClinGen allele CA435957019.

ClinVar aggregate classification (germline): Likely benign. Review status: criteria provided, multiple submitters, no conflicts (2 of 4 stars). 2 submissions from 2 submitters: Likely benign (2). Last evaluated 2024-03-11.

Conditions:
Propionic acidemia (PROP). Also called: GLYCINEMIA, KETOTIC; HYPERGLYCINEMIA WITH KETOACIDOSIS AND LEUKOPENIA; KETOTIC HYPERGLYCINEMIA. Identifiers: Orphanet 35, MedGen C0268579, MONDO:0011628, OMIM 606054, HP:0003571.

Submissions (2):

Labcorp Genetics (formerly Invitae), Labcorp
Classification: Likely benign for Propionic acidemia. Last evaluated: 2024-03-11. Review status: criteria provided, single submitter. Criteria: Invitae Variant Classification Sherloc (09022015). Collection method: clinical testing. Allele origin: germline.

GeneDx
Classification: Likely benign. Last evaluated: 2017-12-11. Review status: criteria provided, single submitter. Criteria: GeneDx Variant Classification (06012015). Collection method: clinical testing. Allele origin: germline. Affected: yes.
Comment: This variant is considered likely benign or benign based on one or more of the following criteria: it is a conservative change, it occurs at a poorly conserved position in the protein, it is predicted to be benign by multiple in silico algorithms, and/or has population frequency not consistent with disease.